The following is an entry in ClinVar:

ClinVar aggregate classification (germline): Uncertain significance (1 of 4 stars; one submission).

Conditions:
Cystic fibrosis (CF). Also called: MUCOVISCIDOSIS. Identifiers: Orphanet 586, MedGen C0010674, MONDO:0009061, OMIM 219700. Disease mechanism: loss of function.

gnomAD v4.1: 80 of 152,200 alleles (0.053%); highest among the groups gnomAD compares: African/African-American, 0.18%; no homozygotes.

Submission:

Johns Hopkins Genomics, Johns Hopkins University
Classification: Uncertain significance for Cystic fibrosis. Last evaluated: 2025-07-11. Review status: criteria provided, single submitter. Criteria: ACMG Guidelines, 2015. Collection method: clinical testing. Allele origin: germline.
Comment: The clinical significance of this variant is uncertain (PM2, BP4).

NM_000492.4(CFTR):c.1584+6763G>A

Gene: CFTR (CF transmembrane conductance regulator; plus strand). Cytogenetic location: 7q31.2.
Variant type: single nucleotide variant.
Coding change: c.1584+6763G>A on transcript NM_000492.4 (MANE Select); 6763 bases into the intron after coding-DNA position 1584, G replaced by A.
Molecular consequence: intron variant.
Genome position (GRCh38, 1-based): chr7:117,566,418, G>A. VCF-style: chr7-117566418-G-A. GRCh37 (hg19) VCF-style: chr7-117206472-G-A.
Identifiers: ClinVar variation 4280095 (VCV004280095.1).